The following is an entry in ClinVar:

ClinVar aggregate classification (germline): Uncertain significance (1 of 4 stars; one submission).

gnomAD v4.1: 1 of 1,614,220 alleles (0.000062%); highest among the groups gnomAD compares: South Asian, 0.0011%; no homozygotes.

Submission:

GeneDx
Classification: Uncertain significance. Last evaluated: 2025-03-10. Review status: criteria provided, single submitter. Criteria: GeneDx Variant Classification Process June 2021. Collection method: clinical testing. Allele origin: germline. Affected: yes.
Comment: Not observed at significant frequency in large population cohorts (gnomAD); In silico analysis indicates that this missense variant does not alter protein structure/function; Has not been previously published as pathogenic or benign to our knowledge

NM_001378418.1(TCF20):c.4192G>A (p.Val1398Ile)

Gene: TCF20 (transcription factor 20; minus strand). Cytogenetic location: 22q13.2.
Variant type: single nucleotide variant.
Coding change: c.4192G>A on transcript NM_001378418.1 (MANE Select); coding-DNA position 4192, G replaced by A.
Protein change: p.Val1398Ile; replaces valine 1398 with isoleucine.
Molecular consequence: missense variant.
Genome position (GRCh38, 1-based): chr22:42,211,114, C>T on the plus strand (G>A on the coding strand, the complement: TCF20 is on the minus strand). VCF-style: chr22-42211114-C-T. GRCh37 (hg19) VCF-style: chr22-42607120-C-T.
Other names: c.4192G>A, p.Val1398Ile (NM_005650.4, NM_181492.3); short protein forms V1398I.
Identifiers: ClinVar variation 4083119 (VCV004083119.1).